The following is an entry in ClinVar:

ClinVar aggregate classification (germline): Pathogenic/Likely pathogenic. Review status: criteria provided, multiple submitters, no conflicts (2 of 4 stars). 2 submissions from 2 submitters: Pathogenic (1); Likely pathogenic (1). Last evaluated 2024-03-07.

Conditions:
Merosin deficient congenital muscular dystrophy (MDC1A). Also called: Congenital merosin-deficient muscular dystrophy 1A; Congenital Muscular Dystrophy Type 1A (MDC1A). Identifiers: Orphanet 258, MedGen C1263858, MONDO:0011925, OMIM 607855.
Muscular dystrophy, limb-girdle, autosomal recessive 23. Identifiers: Orphanet 565837, MedGen C4748327, MONDO:0029136, OMIM 618138.
LAMA2-related muscular dystrophy (LAMA2-RD). Also called: Laminin alpha 2-related dystrophy. Identifiers: MedGen C5679788, MONDO:0100228.

Submissions (2):

Fulgent Genetics
Classification: Likely pathogenic for Merosin deficient congenital muscular dystrophy; Muscular dystrophy, limb-girdle, autosomal recessive 23. Last evaluated: 2024-03-07. Review status: criteria provided, single submitter. Criteria: ACMG Guidelines, 2015. Collection method: clinical testing. Allele origin: germline.

Labcorp Genetics (formerly Invitae), Labcorp
Classification: Pathogenic for LAMA2-related muscular dystrophy. Last evaluated: 2021-09-10. Review status: criteria provided, single submitter. Criteria: Invitae Variant Classification Sherloc (09022015). Collection method: clinical testing. Allele origin: germline.
Comment: This variant has not been reported in the literature in individuals affected with LAMA2-related conditions. ClinVar contains an entry for this variant (Variation ID: 632471). For these reasons, this variant has been classified as Pathogenic. This variant is not present in population databases (ExAC no frequency). This sequence change creates a premature translational stop signal (p.Asp2274Metfs*11) in the LAMA2 gene. It is expected to result in an absent or disrupted protein product. Loss-of-function variants in LAMA2 are known to be pathogenic (PMID: 18700894, 32904964).

Literature cited by the submitters: PubMed 18700894 (cited by Labcorp Genetics (formerly Invitae), Labcorp); PubMed 32904964 (cited by Labcorp Genetics (formerly Invitae), Labcorp).

NM_000426.4(LAMA2):c.6820del (p.Asp2274fs)

Gene: LAMA2 (laminin subunit alpha 2; plus strand). Cytogenetic location: 6q22.33.
Variant type: Deletion.
Coding change: c.6820del on transcript NM_000426.4 (MANE Select); coding-DNA position 6820, one base deleted (G; older notation c.6820delG).
Protein change: p.Asp2274fs; shifts the reading frame from aspartic acid 2274.
Molecular consequence: frameshift variant.
Genome position (GRCh38, 1-based): chr6:129,456,447, G deleted; the last of 2 consecutive G bases (chr6:129,456,446-129,456,447); deleting either gives the same sequence. VCF-style (leftmost placement, unchanged base first): chr6-129456445-TG-T. GRCh37 (hg19) VCF-style: chr6-129777590-TG-T.
Other names: c.6820del, p.Asp2274fs (NM_001079823.2); short protein forms D2274fs.
Identifiers: ClinVar variation 632471 (VCV000632471.12), dbSNP rs1562581261, ClinGen allele CA913190155.